The following is an entry in ClinVar:

ClinVar aggregate classification (germline): Benign (1 of 4 stars; one submission).

Conditions:
MELAS syndrome (MELAS). Also called: Juvenile myopathy, encephalopathy, lactic acidosis, stroke. Identifiers: Orphanet 550, MedGen C0162671, MONDO:0010789, OMIM 540000.

Submission:

Wong Mito Lab, Molecular and Human Genetics, Baylor College of Medicine
Classification: Benign for MELAS syndrome. Last evaluated: 2019-07-12. Review status: criteria provided, single submitter. Criteria: Modified ACMG Guidelines (Unpublished). Collection method: clinical testing. Allele origin: germline.
Comment: The NC_012920.1:m.3236A>G variant in MT-TL1 gene is interpreted to be a Benign variant based on the modified ACMG guidelines (unpublished). This variant meets the following evidence codes reported in the guidelines: BS1, BS2

Literature cited by the submitters: PubMed 31965079; PubMed 18676632.

NC_012920.1(MT-TL1):m.3236A>G

Gene: MT-TL1 (mitochondrially encoded tRNA leucine 1 (UUA/G); plus strand).
Variant type: single nucleotide variant.
Genome position: chrM-3236-A-G.
Identifiers: ClinVar variation 689855 (VCV000689855.1), dbSNP rs1603218849, ClinGen allele CA913168941.